The following is an entry in ClinVar:

NM_017849.4(TMEM127):c.298_303dup (p.Phe101_Leu102insCysPhe)

Gene: TMEM127 (transmembrane protein 127; minus strand). Cytogenetic location: 2q11.2.
Variant type: Duplication.
Coding change: c.298_303dup on transcript NM_017849.4 (MANE Select); coding-DNA positions 298 to 303, 6 bases duplicated (TGTTTC; older notation c.298_303dupTGTTTC).
Protein change: p.Phe101_Leu102insCysPhe.
Molecular consequence: inframe insertion. On other transcripts: inframe indel (3).
Genome position (GRCh38, 1-based): chr2:96,254,939-96,254,944, GAAACA duplicated on the plus strand (TGTTTC on the coding strand, the reverse complement: TMEM127 is on the minus strand); duplicating any 6 consecutive bases within chr2:96,254,939-96,254,947 gives the same sequence; the c. name uses the placement nearest the transcript's 3' end. VCF-style (leftmost placement, unchanged base first): chr2-96254938-G-GGAAACA. GRCh37 (hg19) VCF-style: chr2-96920676-G-GGAAACA.
Other names: c.298_303dup, p.Phe101_Leu102insCysPhe (NM_001193304.3); c.43_48dup, p.Phe17_Leu18insCysPhe (NM_001407282.1, NM_001407283.1); c.298_303dupTGTTTC (NM_017849.3).
Identifiers: ClinVar variation 1798397 (VCV001798397.5), dbSNP rs2467266514, ClinGen allele CA2580068334.
Genomic context (GRCh38, chr2:96,254,938, plus strand): 5'-CAGGATGCTTCGGCCCAAAGACATCCAGAAGGAAAGCGGAGAGACTACACAGGATGCCCA[G>GGAAACA]GAAACAGAAGGCGGCGATGACCCGCAGGAGCAGCACTGTCTGGGGATTCATGCAGAAATC-3'

ClinVar aggregate classification (germline): Uncertain significance. Review status: criteria provided, multiple submitters, no conflicts (2 of 4 stars). 2 submissions from 2 submitters: Uncertain significance (2). Last evaluated 2023-09-26.

Conditions:
Hereditary cancer-predisposing syndrome. Also called: Tumor predisposition; Hereditary Cancer Syndrome; Hereditary neoplastic syndrome; Neoplastic Syndromes, Hereditary. Identifiers: Orphanet 140162, MedGen C0027672, MeSH D009386, MONDO:0015356.
Hereditary pheochromocytoma and paraganglioma. Also called: Hereditary paragangliomas and pheochromocytomas; Hereditary Paraganglioma-Pheochromocytoma Syndromes; Hereditary pheochromocytoma-paraganglioma. Identifiers: Orphanet 29072, MedGen C4274332, MONDO:0017366.

Submissions (2):

Labcorp Genetics (formerly Invitae), Labcorp
Classification: Uncertain significance for Hereditary pheochromocytoma and paraganglioma. Last evaluated: 2023-09-26. Review status: criteria provided, single submitter. Criteria: Invitae Variant Classification Sherloc (09022015). Collection method: clinical testing. Allele origin: germline.
Comment: In summary, the available evidence is currently insufficient to determine the role of this variant in disease. Therefore, it has been classified as a Variant of Uncertain Significance. ClinVar contains an entry for this variant (Variation ID: 1798397). This variant has not been reported in the literature in individuals affected with TMEM127-related conditions. This variant is not present in population databases (gnomAD no frequency). This variant, c.298_303dup, results in the insertion of 2 amino acid(s) of the TMEM127 protein (p.Cys100_Phe101dup), but otherwise preserves the integrity of the reading frame.

Ambry Genetics
Classification: Uncertain significance for Hereditary cancer-predisposing syndrome. Last evaluated: 2021-04-28. Review status: criteria provided, single submitter. Criteria: Ambry Variant Classification Scheme 2023. Collection method: clinical testing. Allele origin: germline.
Comment: The c.298_303dupTGTTTC variant (also known as p.C100_F101dup), located in coding exon 2 of the TMEM127 gene, results from an in-frame duplication of TGTTTC at nucleotide positions 298 to 303. This results in the duplication of 2 extra residues (CF) between codons 100 and 101. This alteration is predicted to be deleterious by in silico analysis (Choi Y et al. PLoS ONE. 2012; 7(10):e46688). Since supporting evidence is limited at this time, the clinical significance of this alteration remains unclear.